The following is an entry in ClinVar:

NM_032043.3(BRIP1):c.644C>T (p.Ser215Phe)

Gene: BRIP1 (BRCA1 interacting DNA helicase 1; minus strand). Cytogenetic location: 17q23.2.
Variant type: single nucleotide variant.
Coding change: c.644C>T on transcript NM_032043.3 (MANE Select); coding-DNA position 644, C replaced by T.
Protein change: p.Ser215Phe; replaces serine 215 with phenylalanine.
Molecular consequence: missense variant.
Genome position (GRCh38, 1-based): chr17:61,808,741, G>A on the plus strand (C>T on the coding strand, the complement: BRIP1 is on the minus strand). VCF-style: chr17-61808741-G-A. GRCh37 (hg19) VCF-style: chr17-59886102-G-A.
Other names: short protein forms S215F.
Identifiers: ClinVar variation 233756 (VCV000233756.24), dbSNP rs12947398, ClinGen allele CA10580864.

ClinVar aggregate classification (germline): Uncertain significance. Review status: criteria provided, multiple submitters, no conflicts (2 of 4 stars). 4 submissions from 4 submitters: Uncertain significance (4). Last evaluated 2025-05-28.

Conditions:
Fanconi anemia complementation group J. Also called: BRIP1-Related Fanconi Anemia. Identifiers: Orphanet 84, MedGen C1836860, MONDO:0012187, OMIM 609054.
Familial cancer of breast. Also called: hereditary breast carcinoma; BREAST CANCER, FAMILIAL; Hereditary breast cancer. Identifiers: Orphanet 227535, MedGen C0346153, MONDO:0016419, OMIM 114480. Disease mechanism: loss of function.
Hereditary cancer-predisposing syndrome. Also called: Tumor predisposition; Hereditary Cancer Syndrome; Hereditary neoplastic syndrome; Neoplastic Syndromes, Hereditary. Identifiers: Orphanet 140162, MedGen C0027672, MeSH D009386, MONDO:0015356.

gnomAD v4.1: 2 of 1,613,064 alleles (0.00012%); highest among the groups gnomAD compares: Admixed American, 0.0017%; no homozygotes.

Submissions (4):

Ambry Genetics
Classification: Uncertain significance for Hereditary cancer-predisposing syndrome. Last evaluated: 2025-05-28. Review status: criteria provided, single submitter. Criteria: Ambry Variant Classification Scheme 2023. Collection method: clinical testing. Allele origin: germline.
Comment: The p.S215F variant (also known as c.644C>T), located in coding exon 6 of the BRIP1 gene, results from a C to T substitution at nucleotide position 644. The serine at codon 215 is replaced by phenylalanine, an amino acid with highly dissimilar properties. This amino acid position is not well conserved in available vertebrate species. In addition, the in silico prediction for this alteration is inconclusive. Based on the available evidence, the clinical significance of this variant remains unclear.

Labcorp Genetics (formerly Invitae), Labcorp
Classification: Uncertain significance for Familial cancer of breast; Fanconi anemia complementation group J. Last evaluated: 2025-04-07. Review status: criteria provided, single submitter. Criteria: Invitae Variant Classification Sherloc (09022015). Collection method: clinical testing. Allele origin: germline.
Comment: This sequence change replaces serine, which is neutral and polar, with phenylalanine, which is neutral and non-polar, at codon 215 of the BRIP1 protein (p.Ser215Phe). This variant is not present in population databases (gnomAD no frequency). This missense change has been observed in individual(s) with breast cancer (PMID: 34326862). ClinVar contains an entry for this variant (Variation ID: 233756). Invitae Evidence Modeling of protein sequence and biophysical properties (such as structural, functional, and spatial information, amino acid conservation, physicochemical variation, residue mobility, and thermodynamic stability) indicates that this missense variant is not expected to disrupt BRIP1 protein function with a negative predictive value of 95%. In summary, the available evidence is currently insufficient to determine the role of this variant in disease. Therefore, it has been classified as a Variant of Uncertain Significance.

Center for Genomic Medicine, Rigshospitalet, Copenhagen University Hospital
Classification: Uncertain significance. Last evaluated: 2025-03-04. Review status: criteria provided, single submitter. Criteria: ACMG Guidelines, 2015. Collection method: clinical testing. Allele origin: germline.

Color Diagnostics, LLC DBA Color Health
Classification: Uncertain significance for Hereditary cancer-predisposing syndrome. Last evaluated: 2024-03-06. Review status: criteria provided, single submitter. Criteria: ACMG Guidelines, 2015. Collection method: clinical testing. Allele origin: germline.
Comment: This missense variant replaces serine with phenylalanine at codon 215 of the BRIP1 protein. Computational prediction suggests that this variant may not impact protein structure and function (internally defined REVEL score threshold <= 0.5, PMID: 27666373). To our knowledge, functional studies have not been reported for this variant. This variant has not been reported in individuals affected with BRIP1-related disorders in the literature. This variant has not been identified in the general population by the Genome Aggregation Database (gnomAD). The available evidence is insufficient to determine the role of this variant in disease conclusively. Therefore, this variant is classified as a Variant of Uncertain Significance.

Literature cited by the submitters: PubMed 34326862 (cited by Labcorp Genetics (formerly Invitae), Labcorp).